The following is an entry in ClinVar:

NM_002473.6(MYH9):c.2965A>G (p.Lys989Glu)

Genes: MYH9 (myosin heavy chain 9; minus strand), LOC126863137 (CDK7 strongly-dependent group 2 enhancer GRCh37_chr22:36696002-36697201; plus strand). Cytogenetic location: 22q12.3.
Variant type: single nucleotide variant.
Coding change: c.2965A>G on transcript NM_002473.6 (MANE Select); coding-DNA position 2965, A replaced by G.
Protein change: p.Lys989Glu; replaces lysine 989 with glutamic acid.
Molecular consequence: missense variant.
Genome position (GRCh38, 1-based): chr22:36,300,138, T>C on the plus strand (A>G on the coding strand, the complement: MYH9 is on the minus strand). VCF-style: chr22-36300138-T-C. GRCh37 (hg19) VCF-style: chr22-36696184-T-C.
Other names: short protein forms K989E.
Identifiers: ClinVar variation 4883837 (VCV004883837.2).

ClinVar aggregate classification (germline): Uncertain significance (1 of 4 stars; one submission).

Submission:

Dasa
Classification: Uncertain significance. Last evaluated: 2024-06-18. Review status: criteria provided, single submitter. Criteria: DASA Assertion Criteria. Collection method: clinical testing. Allele origin: germline.
Comment: NM_002473.6(MYH9):c.2965A>G (p.Lys989Glu) is a missense variant that results in the substitution of lysine with glutamic acid. This variant is rare in population databases. Computational prediction algorithms are consistent with a deleterious effect. The currently available literature and clinical evidence are not sufficient to establish a definitive association between this variant and the reported condition. Therefore, this variant is classified as a variant of uncertain significance.